The following is an entry in ClinVar:

ClinVar aggregate classification (germline): Uncertain significance (1 of 4 stars; one submission).

Conditions:
Gastrointestinal stromal tumor. Also called: Gastrointestinal stromal tumor, somatic; Gastrointestinal stroma tumor. Identifiers: Orphanet 44890, MedGen C0238198, MeSH D046152, MONDO:0011719, OMIM 606764, HP:0100723.
Pheochromocytoma/paraganglioma syndrome 3. Also called: GLOMUS TUMORS, FAMILIAL, 3; Paragangliomas 3; SDHC-Related Hereditary Paraganglioma-Pheochromocytoma Syndrome (Paragangliomas 3); SDHC-Related Hereditary Paraganglioma-Pheochromocytoma Syndrome. Identifiers: Orphanet 29072, MedGen C1854336, MONDO:0011544, OMIM 605373.

Submission:

Labcorp Genetics (formerly Invitae), Labcorp
Classification: Uncertain significance for Pheochromocytoma/paraganglioma syndrome 3; Gastrointestinal stromal tumor. Last evaluated: 2024-07-10. Review status: criteria provided, single submitter. Criteria: Invitae Variant Classification Sherloc (09022015). Collection method: clinical testing. Allele origin: germline.
Comment: This sequence change replaces asparagine, which is neutral and polar, with lysine, which is basic and polar, at codon 43 of the SDHC protein (p.Asn43Lys). This variant is not present in population databases (gnomAD no frequency). This variant has not been reported in the literature in individuals affected with SDHC-related conditions. An algorithm developed to predict the effect of missense changes on protein structure and function outputs the following: PolyPhen-2: "Benign". The lysine amino acid residue is found in multiple mammalian species, which suggests that this missense change does not adversely affect protein function. In summary, the available evidence is currently insufficient to determine the role of this variant in disease. Therefore, it has been classified as a Variant of Uncertain Significance.

NM_003001.5(SDHC):c.129T>A (p.Asn43Lys)

Gene: SDHC (succinate dehydrogenase complex subunit C; plus strand). Cytogenetic location: 1q23.3.
Variant type: single nucleotide variant.
Coding change: c.129T>A on transcript NM_003001.5 (MANE Select); coding-DNA position 129, T replaced by A.
Protein change: p.Asn43Lys; replaces asparagine 43 with lysine.
Molecular consequence: missense variant. On other transcripts: non-coding transcript variant (1), intron variant (4).
Genome position (GRCh38, 1-based): chr1:161,328,447, T>A. VCF-style: chr1-161328447-T-A. GRCh37 (hg19) VCF-style: chr1-161298237-T-A.
Other names: c.129T>A, p.Asn43Lys (NM_001035511.3, NM_001407115.1); c.72T>A, p.Asn24Lys (NM_001407116.1, NM_001407117.1, NM_001407121.1); c.18T>A, p.Asn6Lys (NM_001407119.1, NM_001407120.1); c.77+4777T>A (NM_001035512.3, NM_001278172.3, NM_001407118.1); c.21-12147T>A (NM_001035513.3); short protein forms N24K, N43K, N6K.
Identifiers: ClinVar variation 3751927 (VCV003751927.2).